The following is an entry in ClinVar:

ClinVar aggregate classification (germline): Uncertain significance (1 of 4 stars; one submission).

Submission:

Ambry Genetics
Classification: Uncertain significance. Last evaluated: 2022-07-29. Review status: criteria provided, single submitter. Criteria: Ambry Variant Classification Scheme 2023. Collection method: clinical testing. Allele origin: germline.
Comment: The p.E696K variant (also known as c.2086G>A), located in coding exon 18 of the BUB1 gene, results from a G to A substitution at nucleotide position 2086. The glutamic acid at codon 696 is replaced by lysine, an amino acid with similar properties. This amino acid position is conserved. In addition, this alteration is predicted to be tolerated by in silico analysis. Since supporting evidence is limited at this time, the clinical significance of this alteration remains unclear.

NM_004336.5(BUB1):c.2086G>A (p.Glu696Lys)

Gene: BUB1 (BUB1 mitotic checkpoint serine/threonine kinase; minus strand). Cytogenetic location: 2q13.
Variant type: single nucleotide variant.
Coding change: c.2086G>A on transcript NM_004336.5 (MANE Select); coding-DNA position 2086, G replaced by A.
Protein change: p.Glu696Lys; replaces glutamic acid 696 with lysine.
Molecular consequence: missense variant.
Genome position (GRCh38, 1-based): chr2:110,650,663, C>T on the plus strand (G>A on the coding strand, the complement: BUB1 is on the minus strand). VCF-style: chr2-110650663-C-T. GRCh37 (hg19) VCF-style: chr2-111408240-C-T.
Other names: c.2026G>A, p.Glu676Lys (NM_001278616.2); c.2086G>A, p.Glu696Lys (NM_001278617.2); short protein forms E676K, E696K.
Identifiers: ClinVar variation 1785644 (VCV001785644.2), dbSNP rs2467990938, ClinGen allele CA348209929.